The following is an entry in ClinVar:

NM_004260.4(RECQL4):c.2243T>C (p.Met748Thr)

Gene: RECQL4 (RecQ like helicase 4; minus strand). Cytogenetic location: 8q24.3.
Variant type: single nucleotide variant.
Coding change: c.2243T>C on transcript NM_004260.4 (MANE Select); coding-DNA position 2243, T replaced by C.
Protein change: p.Met748Thr; replaces methionine 748 with threonine.
Molecular consequence: missense variant.
Genome position (GRCh38, 1-based): chr8:144,513,438, A>G on the plus strand (T>C on the coding strand, the complement: RECQL4 is on the minus strand). VCF-style: chr8-144513438-A-G. GRCh37 (hg19) VCF-style: chr8-145738822-A-G.
Other names: c.2243T>C (NM_004260.3); short protein forms M748T.
Identifiers: ClinVar variation 1448393 (VCV001448393.7), dbSNP rs2130680231, ClinGen allele CA372678498.

ClinVar aggregate classification (germline): Uncertain significance. Review status: criteria provided, multiple submitters, no conflicts (2 of 4 stars). 2 submissions from 2 submitters: Uncertain significance (2). Last evaluated 2025-07-28.

Conditions:
Inborn genetic diseases. Identifiers: MedGen C0950123, MeSH D030342.
Baller-Gerold syndrome (BGS). Also called: CRANIOSYNOSTOSIS WITH RADIAL DEFECTS. Identifiers: Orphanet 1225, MedGen C0265308, MONDO:0009039, OMIM 218600.

gnomAD v4.1: 1 of 1,609,764 alleles (0.000062%); no homozygotes.

Submissions (2):

Ambry Genetics
Classification: Uncertain significance for Inborn genetic diseases. Last evaluated: 2025-07-28. Review status: criteria provided, single submitter. Criteria: Ambry Variant Classification Scheme 2023. Collection method: clinical testing. Allele origin: germline.
Comment: The p.M748T variant (also known as c.2243T>C), located in coding exon 14 of the RECQL4 gene, results from a T to C substitution at nucleotide position 2243. The methionine at codon 748 is replaced by threonine, an amino acid with similar properties. This amino acid position is conserved. In addition, the in silico prediction for this alteration is inconclusive. Based on the available evidence, the clinical significance of this variant remains unclear.

Labcorp Genetics (formerly Invitae), Labcorp
Classification: Uncertain significance for Baller-Gerold syndrome. Last evaluated: 2023-11-02. Review status: criteria provided, single submitter. Criteria: Invitae Variant Classification Sherloc (09022015). Collection method: clinical testing. Allele origin: germline.
Comment: This sequence change replaces methionine, which is neutral and non-polar, with threonine, which is neutral and polar, at codon 748 of the RECQL4 protein (p.Met748Thr). This variant is not present in population databases (gnomAD no frequency). This variant has not been reported in the literature in individuals affected with RECQL4-related conditions. ClinVar contains an entry for this variant (Variation ID: 1448393). Advanced modeling of protein sequence and biophysical properties (such as structural, functional, and spatial information, amino acid conservation, physicochemical variation, residue mobility, and thermodynamic stability) performed at Invitae indicates that this missense variant is expected to disrupt RECQL4 protein function with a positive predictive value of 80%. In summary, the available evidence is currently insufficient to determine the role of this variant in disease. Therefore, it has been classified as a Variant of Uncertain Significance.